The following is an entry in ClinVar:

ClinVar aggregate classification (germline): Pathogenic/Likely pathogenic. Review status: criteria provided, multiple submitters, no conflicts (2 of 4 stars). 3 submissions from 3 submitters: Pathogenic (2); Likely pathogenic (1). Last evaluated 2023-05-01.

Conditions:
Familial adenomatous polyposis 1 (FAP1). Also called: FAMILIAL ADENOMATOUS POLYPOSIS 1, ATTENUATED; POLYPOSIS, ADENOMATOUS INTESTINAL. Identifiers: MedGen C2713442, MONDO:0021056, OMIM 175100. Disease mechanism: loss of function.
Familial multiple polyposis syndrome (FAP). Also called: Familial Adenomatous Polyposis (FAP); Familial intestinal polyposis; Familial adenomatous polyposis; Classic familial adenomatous polyposis; Familial polyposis. Identifiers: Orphanet 733, MedGen C0032580, MONDO:0021055. Disease mechanism: loss of function.
Hereditary cancer-predisposing syndrome. Also called: Tumor predisposition; Hereditary Cancer Syndrome; Neoplastic Syndromes, Hereditary; Hereditary neoplastic syndrome. Identifiers: Orphanet 140162, MedGen C0027672, MeSH D009386, MONDO:0015356.

Submissions (3):

Myriad Genetics, Inc.
Classification: Pathogenic for Familial adenomatous polyposis 1. Last evaluated: 2023-05-01. Review status: criteria provided, single submitter. Criteria: Myriad Autosomal Dominant, Autosomal Recessive and X-Linked Classification Criteria (2023). Collection method: clinical testing. Allele origin: unknown.
Comment: This variant is considered pathogenic. This variant creates a termination codon and is predicted to result in premature protein truncation.

Ambry Genetics
Classification: Pathogenic for Hereditary cancer-predisposing syndrome. Last evaluated: 2021-10-14. Review status: criteria provided, single submitter. Criteria: Ambry Variant Classification Scheme 2023. Collection method: clinical testing. Allele origin: germline.
Comment: The p.C447* pathogenic mutation (also known as c.1341T>A), located in coding exon 10 of the APC gene, results from a T to A substitution at nucleotide position 1341. This changes the amino acid from a cysteine to a stop codon within coding exon 10. This alteration has been observed in at least one individual with a personal and/or family history that is consistent with Familial Adenomatous Polyposis-related disease (Ambry internal data). This alteration is expected to result in loss of function by premature protein truncation or nonsense-mediated mRNA decay. As such, this alteration is interpreted as a disease-causing mutation.

Molecular Diagnostics Laboratory, M Health Fairview: University of Minnesota
Classification: Likely pathogenic for Familial multiple polyposis syndrome. Last evaluated: 2016-12-09. Review status: criteria provided, single submitter. Criteria: ACMG Guidelines, 2015. Collection method: clinical testing. Allele origin: germline. Affected: yes. Observed: 1 variant allele.

NM_000038.6(APC):c.1341T>A (p.Cys447Ter)

Gene: APC (APC regulator of Wnt signaling pathway; plus strand). Cytogenetic location: 5q22.2.
Variant type: single nucleotide variant.
Coding change: c.1341T>A on transcript NM_000038.6 (MANE Select); coding-DNA position 1341, T replaced by A.
Protein change: p.Cys447Ter; replaces cysteine 447 with a stop codon.
Molecular consequence: nonsense.
Genome position (GRCh38, 1-based): chr5:112,821,924, T>A. VCF-style: chr5-112821924-T-A. GRCh37 (hg19) VCF-style: chr5-112157621-T-A.
Other names: c.1341T>A, p.Cys447Ter (NM_001127510.3, NM_001354895.2, NM_001354896.2); c.1287T>A, p.Cys429Ter (NM_001127511.3); c.1371T>A, p.Cys457Ter (NM_001354897.2); c.1266T>A, p.Cys422Ter (NM_001354898.2); c.1257T>A, p.Cys419Ter (NM_001354899.2); c.1164T>A, p.Cys388Ter (NM_001354900.2, NM_001354901.2); c.1068T>A, p.Cys356Ter (NM_001354902.2); c.1038T>A, p.Cys346Ter (NM_001354903.2); and 3 more; short protein forms C429*, C447*, C164*, C346*, C419*, C287*, C388*, C422*.
Identifiers: ClinVar variation 623123 (VCV000623123.5), dbSNP rs1561545947, ClinGen allele CA16024242.